The following is an entry in ClinVar:

ClinVar aggregate classification (germline): Benign (1 of 4 stars; one submission).

Conditions:
Cayman type cerebellar ataxia. Also called: Cayman ataxia. Identifiers: Orphanet 94122, MedGen C1832585, MONDO:0011025, OMIM 601238.

Allele frequency attached by ClinVar (database versions not stated): gnomAD 0.02733 and 0.02901; TOPMed 0.02975; 1000 Genomes Project 0.03295; 1000 Genomes Project 30x 0.03670.

Submission:

Illumina Laboratory Services, Illumina
Classification: Benign for Cayman type cerebellar ataxia. Last evaluated: 2018-01-12. Review status: criteria provided, single submitter. Criteria: ICSL Variant Classification Criteria 13 December 2019. Collection method: clinical testing. Allele origin: germline.
Comment: This variant was observed in the ICSL laboratory as part of a predisposition screen in an ostensibly healthy population. It had not been previously curated by ICSL or reported in the Human Gene Mutation Database (HGMD: prior to June 1st, 2018), and was therefore a candidate for classification through an automated scoring system. Utilizing variant allele frequency, disease prevalence and penetrance estimates, and inheritance mode, an automated score was calculated to assess if this variant is too frequent to cause the disease. Based on the score and internal cut-off values, a variant classified as benign is not then subjected to further curation. The score for this variant resulted in a classification of benign for this disease.

NM_033064.5(ATCAY):c.*976C>G

Gene: ATCAY (ATCAY kinesin light chain interacting caytaxin; plus strand). Cytogenetic location: 19p13.3.
Variant type: single nucleotide variant.
Coding change: c.*976C>G on transcript NM_033064.5 (MANE Select); 976 bases downstream of the stop codon, C replaced by G.
Molecular consequence: 3 prime UTR variant.
Genome position (GRCh38, 1-based): chr19:3,925,568, C>G. VCF-style: chr19-3925568-C-G. GRCh37 (hg19) VCF-style: chr19-3925566-C-G.
Identifiers: ClinVar variation 329172 (VCV000329172.5), dbSNP rs73919393, ClinGen allele CA10651927.
Genomic context (GRCh38, chr19:3,925,568, plus strand): 5'-TTTGAGTGTTTCAGAAGTCATTCGGGAAGATAAATCCAGTGCGCTGGCCGCAGCCACCTG[C>G]ATTCAAAGCTTGGACCAGCGGGTTCTTGTTCGGGAGGCAAATTTCCCTAGGAAAAAGAAG-3'